The following is an entry in ClinVar:

NM_001165963.4(SCN1A):c.5303G>T (p.Ser1768Ile)

Genes: SCN1A (sodium voltage-gated channel alpha subunit 1; minus strand), LOC102724058 (uncharacterized LOC102724058; plus strand). Cytogenetic location: 2q24.3.
Variant type: single nucleotide variant.
Coding change: c.5303G>T on transcript NM_001165963.4 (MANE Select); coding-DNA position 5303, G replaced by T.
Protein change: p.Ser1768Ile; replaces serine 1768 with isoleucine.
Molecular consequence: missense variant. On other transcripts: non-coding transcript variant (1).
Genome position (GRCh38, 1-based): chr2:165,991,972, C>A on the plus strand (G>T on the coding strand, the complement: SCN1A is on the minus strand). VCF-style: chr2-165991972-C-A. GRCh37 (hg19) VCF-style: chr2-166848482-C-A.
Other names: c.5219G>T, p.Ser1740Ile (NM_001165964.3, NM_001353957.2, NM_001353958.2); c.5303G>T, p.Ser1768Ile (NM_001202435.3, NM_001353948.2); c.5270G>T, p.Ser1757Ile (NM_001353949.2, NM_001353950.2, NM_001353951.2 and 2 more transcripts); c.5267G>T, p.Ser1756Ile (NM_001353954.2, NM_001353955.2); c.5216G>T, p.Ser1739Ile (NM_001353960.2); c.2861G>T, p.Ser954Ile (NM_001353961.2); short protein forms S1756I, S1740I, S1757I, S1768I, S1739I, S954I.
Identifiers: ClinVar variation 3634002 (VCV003634002.2).
Genomic context (GRCh38, chr2:165,991,972, plus strand): 5'-TTCTCCAGGATGACCGCGATGTACATGTTCACCACAACCAGGAAGGATATGATGATGTAA[C>A]TGACAAAAAAGAAAATTCCAACAGATGGGTTCCCACAGTCTCCCTTAACTGAGCTTCCAG-3'
Protein context (NP_001159435.1, residues 1758-1778): NPSVGIFFFV[Ser1768Ile]YIIISFLVVV

ClinVar aggregate classification (germline): Likely pathogenic (1 of 4 stars; one submission).

Conditions:
Early-infantile DEE. Also called: Early infantile epileptic encephalopathy; Ohtahara syndrome; Early infantile epileptic encephalopathy with suppression bursts. Identifiers: Orphanet 1934, MedGen C0393706, MONDO:0800491.

Submission:

Labcorp Genetics (formerly Invitae), Labcorp
Classification: Likely pathogenic for Early-infantile DEE. Last evaluated: 2024-09-30. Review status: criteria provided, single submitter. Criteria: Invitae Variant Classification Sherloc (09022015). Collection method: clinical testing. Allele origin: germline.
Comment: This sequence change replaces serine, which is neutral and polar, with isoleucine, which is neutral and non-polar, at codon 1768 of the SCN1A protein (p.Ser1768Ile). This variant is not present in population databases (gnomAD no frequency). This variant has not been reported in the literature in individuals affected with SCN1A-related conditions. Invitae Evidence Modeling of protein sequence and biophysical properties (such as structural, functional, and spatial information, amino acid conservation, physicochemical variation, residue mobility, and thermodynamic stability) indicates that this missense variant is expected to disrupt SCN1A protein function with a positive predictive value of 95%. This variant disrupts the p.Ser1768 amino acid residue in SCN1A. Other variant(s) that disrupt this residue have been determined to be pathogenic (internal data). This suggests that this residue is clinically significant, and that variants that disrupt this residue are likely to be disease-causing. In summary, the currently available evidence indicates that the variant is pathogenic, but additional data are needed to prove that conclusively. Therefore, this variant has been classified as Likely Pathogenic.